The following is an entry in ClinVar:

ClinVar aggregate classification (germline): Uncertain significance (1 of 4 stars; one submission).

Conditions:
Long QT syndrome (LQTS). Identifiers: MedGen C0023976, MeSH D008133, MONDO:0002442. Disease mechanism: loss of function. Inheritance: Various modes of inheritance.

Allele frequency attached by ClinVar (database versions not stated): gnomAD exomes 0.00003; TOPMed 0.00003; gnomAD 0.00005.
gnomAD v4.1: 52 of 1,612,482 alleles (0.0032%); highest among the groups gnomAD compares: Middle Eastern, 0.033%; no homozygotes.

Submission:

Dept of Medical Biology, Uskudar University
Classification: Uncertain significance for Long QT syndrome. Last evaluated: 2024-01-08. Review status: criteria provided, single submitter. Criteria: Dept of Medical Biology Variant Classification. Collection method: research. Allele origin: paternal. Affected: yes. Observed: 1 variant allele.
Comment: Criteria: PM2

NM_001032283.3(TMPO):c.1042A>G (p.Met348Val)

Gene: TMPO (thymopoietin; plus strand). Cytogenetic location: 12q23.1.
Variant type: single nucleotide variant.
Coding change: c.1042A>G on transcript NM_001032283.3 (MANE Select); coding-DNA position 1042, A replaced by G.
Protein change: p.Met348Val; replaces methionine 348 with valine.
Molecular consequence: missense variant.
Genome position (GRCh38, 1-based): chr12:98,546,410, A>G. VCF-style: chr12-98546410-A-G. GRCh37 (hg19) VCF-style: chr12-98940188-A-G.
Other names: c.715A>G, p.Met239Val (NM_001032284.3); c.922A>G, p.Met308Val (NM_001307975.2); short protein forms M239V, M308V, M348V.
Identifiers: ClinVar variation 2574012 (VCV002574012.3), dbSNP rs990534778, ClinGen allele CA242236215.
Genomic context (GRCh38, chr12:98,546,410, plus strand): 5'-TCTTATTAGGTGGGAGAAAAAACAGAGGAAAGAAGAGTAGAAAGGGATATTCTTAAGGAA[A>G]TGTTCCCCTATGAAGCATCTACACCAACAGGAATTAGGTATTCAGATACATTTAAACAAG-3'
Protein context (NP_001027454.1, residues 338-358): RRVERDILKE[Met348Val]FPYEASTPTG